The following is an entry in ClinVar:

ClinVar aggregate classification (germline): Uncertain significance. Review status: criteria provided, multiple submitters, no conflicts (2 of 4 stars). 2 submissions from 2 submitters: Uncertain significance (2). Last evaluated 2023-08-18.

Conditions:
Gastrointestinal stromal tumor. Also called: Gastrointestinal stroma tumor; Gastrointestinal stromal tumor, somatic. Identifiers: Orphanet 44890, MedGen C0238198, MeSH D046152, MONDO:0011719, OMIM 606764, HP:0100723.
Polyps, multiple and recurrent inflammatory fibroid, gastrointestinal. Identifiers: MedGen C5193005, MONDO:0008285, OMIM 175510.

Submissions (2):

Baylor Genetics
Classification: Uncertain significance for Polyps, multiple and recurrent inflammatory fibroid, gastrointestinal. Last evaluated: 2023-08-18. Review status: criteria provided, single submitter. Criteria: ACMG Guidelines, 2015. Collection method: clinical testing. Allele origin: unknown.

Labcorp Genetics (formerly Invitae), Labcorp
Classification: Uncertain significance for Gastrointestinal stromal tumor. Last evaluated: 2021-06-21. Review status: criteria provided, single submitter. Criteria: Invitae Variant Classification Sherloc (09022015). Collection method: clinical testing. Allele origin: germline.
Comment: In summary, the available evidence is currently insufficient to determine the role of this variant in disease. Therefore, it has been classified as a Variant of Uncertain Significance. Algorithms developed to predict the effect of missense changes on protein structure and function (SIFT, PolyPhen-2, Align-GVGD) all suggest that this variant is likely to be tolerated, but these predictions have not been confirmed by published functional studies and their clinical significance is uncertain. This variant has not been reported in the literature in individuals with PDGFRA-related conditions. This variant is not present in population databases (ExAC no frequency). This sequence change replaces lysine with glutamic acid at codon 254 of the PDGFRA protein (p.Lys254Glu). The lysine residue is moderately conserved and there is a small physicochemical difference between lysine and glutamic acid.

NM_006206.6(PDGFRA):c.760A>G (p.Lys254Glu)

Gene: PDGFRA (platelet derived growth factor receptor alpha; plus strand). Cytogenetic location: 4q12.
Variant type: single nucleotide variant.
Coding change: c.760A>G on transcript NM_006206.6 (MANE Select); coding-DNA position 760, A replaced by G.
Protein change: p.Lys254Glu; replaces lysine 254 with glutamic acid.
Molecular consequence: missense variant.
Genome position (GRCh38, 1-based): chr4:54,267,289, A>G. VCF-style: chr4-54267289-A-G. GRCh37 (hg19) VCF-style: chr4-55133456-A-G.
Other names: c.760A>G, p.Lys254Glu (NM_001347827.2, NM_001347829.2); c.835A>G, p.Lys279Glu (NM_001347828.2); c.799A>G, p.Lys267Glu (NM_001347830.2); short protein forms K279E, K267E, K254E.
Identifiers: ClinVar variation 1362887 (VCV001362887.9), dbSNP rs2110264353, ClinGen allele CA356891050.